The following is an entry in ClinVar:

ClinVar aggregate classification (germline): Likely pathogenic (1 of 4 stars; one submission).

Submission:

GeneDx
Classification: Likely pathogenic. Last evaluated: 2016-01-18. Review status: criteria provided, single submitter. Criteria: GeneDx Variant Classification (06012015). Collection method: clinical testing. Allele origin: germline. Affected: yes.
Comment: The W276R has not been published as a pathogenic variant, nor has it been reported as a benign variant to our knowledge. Vos et al. (2010) also reported that this variant was de novo in the unaffected mother of the proband. This substitution occurs at a position that is conserved across species. W276R was not observed in approximately 6,500 individuals of European and African American ancestry in the NHLBI Exome Sequencing Project, indicating it is not a common benign variant in these population. Therefore, this variant is likely pathogenic; however, the possibility that it is benign cannot be excluded.

NM_001278116.2(L1CAM):c.826T>A (p.Trp276Arg)

Gene: L1CAM (L1 cell adhesion molecule; minus strand). Cytogenetic location: Xq28.
Variant type: single nucleotide variant.
Coding change: c.826T>A on transcript NM_001278116.2 (MANE Select); coding-DNA position 826, T replaced by A.
Protein change: p.Trp276Arg; replaces tryptophan 276 with arginine.
Molecular consequence: missense variant.
Genome position (GRCh38, 1-based): chrX:153,870,221, A>T on the plus strand (T>A on the coding strand, the complement: L1CAM is on the minus strand). VCF-style: chrX-153870221-A-T. GRCh37 (hg19) VCF-style: chrX-153135676-A-T.
Other names: c.826T>A, p.Trp276Arg (NM_000425.5, NM_024003.3); c.811T>A, p.Trp271Arg (NM_001143963.2); short protein forms W276R, W271R.
Identifiers: ClinVar variation 430317 (VCV000430317.2), dbSNP rs1131691900, ClinGen allele CA415132570.
Genomic context (GRCh38, chrX:153,870,221, plus strand): 5'-TCTTGTTGTGGTTCTGGTAGGTGACACGGTCGGCTGGCATGGGGCCACTGGGGCGCAGCC[A>T]TTTGATGGTGGGCGTGGGACTGCCCGGGAGGCAAAGGGAAGAGAGCAGAAGGGAGAAAGG-3'
Protein context (NP_001265045.1, residues 266-286): AEGFPTPTIK[Trp276Arg]LRPSGPMPAD